The following is an entry in ClinVar:

ClinVar aggregate classification (germline): Conflicting classifications of pathogenicity. Review status: criteria provided, conflicting classifications (1 of 4 stars). 6 submissions from 6 submitters: Uncertain significance (4); Likely benign (1). 1 of the submissions does not count toward it. Last evaluated 2026-01-12.

Conditions:
Noonan syndrome and Noonan-related syndrome. Identifiers: Orphanet 98733, MedGen C5681679, MONDO:0020297.
RASopathy. Also called: rasopathies; Noonan spectrum disorder. Identifiers: Orphanet 536391, MedGen C5555857, MONDO:0021060.
CBL-related disorder. Also called: CBL MUTATION-ASSOCIATED SYNDROME; CBL SYNDROME; NOONAN SYNDROME-LIKE DISORDER WITHOUT JUVENILE MYELOMONOCYTIC LEUKEMIA. Identifiers: Orphanet 363972, MedGen C3150803, MONDO:0013308, OMIM 613563.
Juvenile myelomonocytic leukemia (JMML). Also called: LEUKEMIA, JUVENILE MYELOMONOCYTIC, SOMATIC. Identifiers: Orphanet 86834, MedGen C0349639, MONDO:0011908, OMIM 607785, HP:0012209.

Allele frequency attached by ClinVar (database versions not stated): gnomAD 0.00002; gnomAD exomes 0.00002; TOPMed 0.00002; ESP Exome Variant Server 0.00008; ExAC 0.00002.
gnomAD v4.1: 31 of 1,614,020 alleles (0.0019%); highest among the groups gnomAD compares: Non-Finnish European, 0.0025%; no homozygotes.

Submissions (6):

Labcorp Genetics (formerly Invitae), Labcorp
Classification: Uncertain significance for RASopathy. Last evaluated: 2026-01-12. Review status: criteria provided, single submitter. Criteria: Invitae Variant Classification Sherloc (09022015). Collection method: clinical testing. Allele origin: germline.
Comment: This sequence change replaces alanine, which is neutral and non-polar, with valine, which is neutral and non-polar, at codon 488 of the CBL protein (p.Ala488Val). This variant is present in population databases (rs377502790, gnomAD 0.003%). This variant has not been reported in the literature in individuals affected with CBL-related conditions. ClinVar contains an entry for this variant (Variation ID: 120247). Invitae Evidence Modeling of protein sequence and biophysical properties (such as structural, functional, and spatial information, amino acid conservation, physicochemical variation, residue mobility, and thermodynamic stability) indicates that this missense variant is not expected to disrupt CBL protein function with a negative predictive value of 95%. In summary, the available evidence is currently insufficient to determine the role of this variant in disease. Therefore, it has been classified as a Variant of Uncertain Significance.

Blueprint Genetics
Classification: Likely benign. Last evaluated: 2024-05-28. Review status: criteria provided, single submitter. Criteria: ACMG Guidelines, 2015. Collection method: clinical testing. Allele origin: germline.

Fulgent Genetics
Classification: Uncertain significance for Juvenile myelomonocytic leukemia; CBL-related disorder. Last evaluated: 2018-10-31. Review status: criteria provided, single submitter. Criteria: ACMG Guidelines, 2015. Collection method: clinical testing. Allele origin: unknown.

Illumina Laboratory Services, Illumina
Classification: Uncertain significance for CBL-related disorder. Last evaluated: 2018-01-12. Review status: criteria provided, single submitter. Criteria: ICSL Variant Classification Criteria 13 December 2019. Collection method: clinical testing. Allele origin: germline.

Genome Diagnostics Laboratory, The Hospital for Sick Children
Classification: Uncertain significance for Noonan syndrome and Noonan-related syndrome. Last evaluated: 2016-12-12. Review status: criteria provided, single submitter. Criteria: ACMG Guidelines, 2015. Collection method: clinical testing. Allele origin: germline.

Institute of Molecular Pathology and Immunology of the University of Porto (IPATIMUP)
No classification provided. Condition: Noonan syndrome-like disorder with or without juvenile myelomonocytic leukemia. Review status: no classification provided. Collection method: not provided. Allele origin: germline. Not counted in ClinVar's aggregate classification.

NM_005188.4(CBL):c.1463C>T (p.Ala488Val)

Gene: CBL (Cbl proto-oncogene; plus strand). Cytogenetic location: 11q23.3.
Variant type: single nucleotide variant.
Coding change: c.1463C>T on transcript NM_005188.4 (MANE Select); coding-DNA position 1463, C replaced by T.
Protein change: p.Ala488Val; replaces alanine 488 with valine.
Molecular consequence: missense variant.
Genome position (GRCh38, 1-based): chr11:119,285,000, C>T. VCF-style: chr11-119285000-C-T. GRCh37 (hg19) VCF-style: chr11-119155710-C-T.
Other names: short protein forms A488V.
Identifiers: ClinVar variation 120247 (VCV000120247.16), dbSNP rs377502790, ClinGen allele CA150792.